The following is an entry in ClinVar:

NM_003073.5(SMARCB1):c.1118+4C>A

Gene: SMARCB1 (SWI/SNF related BAF chromatin remodeling complex subunit B1; plus strand). Cytogenetic location: 22q11.23.
Variant type: single nucleotide variant.
Coding change: c.1118+4C>A on transcript NM_003073.5 (MANE Select); 4 bases into the intron after coding-DNA position 1118, C replaced by A.
Molecular consequence: intron variant.
Genome position (GRCh38, 1-based): chr22:23,833,707, C>A. VCF-style: chr22-23833707-C-A. GRCh37 (hg19) VCF-style: chr22-24175894-C-A.
Other names: c.1172+4C>A (NM_001362877.2); c.1145+4C>A (NM_001317946.2); c.1091+4C>A (NM_001007468.3).
Identifiers: ClinVar variation 822211 (VCV000822211.12), dbSNP rs374197835, ClinGen allele CA322582232.
Genomic context (GRCh38, chr22:23,833,707, plus strand): 5'-GACTCTGACAGACGCTGAGATGGAGAAGAAGATCCGCGACCAGGACAGGAACACGAGGTA[C>A]CCCTGGCCCTGTGGTCCTGGGCTCTGCCCACAGGCACCTGGCTTTCCAGGCAGAGGCAGG-3'

ClinVar aggregate classification (germline): Conflicting classifications of pathogenicity. Review status: criteria provided, conflicting classifications (1 of 4 stars). 2 submissions from 2 submitters: Uncertain significance (1); Likely benign (1). Last evaluated 2022-01-14.

Conditions:
Hereditary cancer-predisposing syndrome. Also called: Tumor predisposition; Hereditary Cancer Syndrome; Neoplastic Syndromes, Hereditary; Hereditary neoplastic syndrome. Identifiers: Orphanet 140162, MedGen C0027672, MeSH D009386, MONDO:0015356.

gnomAD v4.1: 2 of 1,613,938 alleles (0.00012%); highest among the groups gnomAD compares: Non-Finnish European, 0.00017%; no homozygotes.

Submissions (2):

Labcorp Genetics (formerly Invitae), Labcorp
Classification: Uncertain significance. Last evaluated: 2022-01-14. Review status: criteria provided, single submitter. Criteria: Invitae Variant Classification Sherloc (09022015). Collection method: clinical testing. Allele origin: germline.
Comment: In summary, the available evidence is currently insufficient to determine the role of this variant in disease. Therefore, it has been classified as a Variant of Uncertain Significance. Variants that disrupt the consensus splice site are a relatively common cause of aberrant splicing (PMID: 17576681, 9536098). Algorithms developed to predict the effect of sequence changes on RNA splicing suggest that this variant is not likely to affect RNA splicing. ClinVar contains an entry for this variant (Variation ID: 822211). This variant has not been reported in the literature in individuals affected with SMARCB1-related conditions. This variant is not present in population databases (gnomAD no frequency). This sequence change falls in intron 8 of the SMARCB1 gene. It does not directly change the encoded amino acid sequence of the SMARCB1 protein. It affects a nucleotide within the consensus splice site.

Ambry Genetics
Classification: Likely benign for Hereditary cancer-predisposing syndrome. Last evaluated: 2019-11-06. Review status: criteria provided, single submitter. Criteria: Ambry Variant Classification Scheme 2023. Collection method: clinical testing. Allele origin: germline.

Literature cited by the submitters: PubMed 17576681 (cited by Labcorp Genetics (formerly Invitae), Labcorp); PubMed 9536098 (cited by Labcorp Genetics (formerly Invitae), Labcorp).